The following is an entry in ClinVar:

ClinVar aggregate classification (germline): Pathogenic/Likely pathogenic. Review status: criteria provided, multiple submitters, no conflicts (2 of 4 stars). 10 submissions from 10 submitters: Pathogenic (5); Likely pathogenic (5). Last evaluated 2026-01-01.

Conditions:
FARS2-related disorder. Also called: FARS2-related disorders; FARS2-related condition.
Leigh syndrome (NULS). Also called: Leigh Syndrome (mtDNA deletion); Leigh's syndrome; Leigh Disease; LEIGH SYNDROME, NUCLEAR; Subacute necrotizing encephalopathy; Necrotizing encephalopathy infantile subacute of Leigh. Identifiers: Orphanet 506, MedGen C2931891, MONDO:0009723, OMIM 256000.
Hereditary spastic paraplegia 77. Also called: Spastic paraplegia 77, autosomal recessive. Identifiers: Orphanet 466722, MedGen C5569007, MONDO:0014882, OMIM 617046.
Inborn genetic diseases. Identifiers: MedGen C0950123, MeSH D030342.
Combined oxidative phosphorylation defect type 14. Also called: Combined oxidative phosphorylation deficiency 14. Identifiers: Orphanet 319519, MedGen C4755312, MONDO:0013986, OMIM 614946.

Allele frequency attached by ClinVar (database versions not stated): TOPMed 0.00006; ExAC 0.00007; gnomAD exomes 0.00007 and 0.00020; gnomAD 0.00009 and 0.00011.

Submissions (10):

CeGaT Center for Human Genetics Tuebingen
Classification: Pathogenic. Last evaluated: 2026-01-01. Review status: criteria provided, single submitter. Criteria: CeGaT Center For Human Genetics Tuebingen Variant Classification Criteria Version 2. Collection method: clinical testing. Allele origin: germline. Affected: yes. Observed: 1 variant allele.
Comment: FARS2: PVS1, PM2, PM3:Supporting

Department of Paediatrics at Addenbrookes, Cambridge University Hospitals NHS Foundation Trust (UK)
Classification: Likely pathogenic for Combined oxidative phosphorylation defect type 14. Last evaluated: 2025-05-27. Review status: criteria provided, single submitter. Criteria: Durkie Uk Practice Guidelines For Variant Classification V12 2024 (1). Collection method: clinical testing. Allele origin: unknown.
Comment: PVS1_VeryStrong; PM2_Moderate;PM3_Supporting

Labcorp Genetics (formerly Invitae), Labcorp
Classification: Pathogenic for Combined oxidative phosphorylation defect type 14. Last evaluated: 2025-02-02. Review status: criteria provided, single submitter. Criteria: Invitae Variant Classification Sherloc (09022015). Collection method: clinical testing. Allele origin: germline.
Comment: This sequence change creates a premature translational stop signal (p.Asp265Thrfs*29) in the FARS2 gene. It is expected to result in an absent or disrupted protein product. Loss-of-function variants in FARS2 are known to be pathogenic (PMID: 22833457). This variant is present in population databases (rs761097220, gnomAD 0.01%). This variant has not been reported in the literature in individuals affected with FARS2-related conditions. ClinVar contains an entry for this variant (Variation ID: 579997). For these reasons, this variant has been classified as Pathogenic.

Greenwood Genetic Center Diagnostic Laboratories, Greenwood Genetic Center
Classification: Likely pathogenic for FARS2-related disorder. Last evaluated: 2024-01-17. Review status: criteria provided, single submitter. Criteria: ACMG Guidelines, 2015. Collection method: clinical testing. Allele origin: germline. Affected: yes.
Comment: PVS1, PM2

Mayo Clinic Laboratories, Mayo Clinic
Classification: Likely pathogenic. Last evaluated: 2023-11-07. Review status: criteria provided, single submitter. Criteria: ACMG Guidelines, 2015. Collection method: clinical testing. Allele origin: germline. Observed: 1 variant allele.
Comment: PM2_moderate, PVS1

Women's Health and Genetics/Laboratory Corporation of America, LabCorp
Classification: Pathogenic for FARS2-Related Disorders. Last evaluated: 2023-05-23. Review status: criteria provided, single submitter. Criteria: LabCorp Variant Classification Summary - May 2015. Collection method: clinical testing. Allele origin: germline.
Comment: Variant summary: FARS2 c.792delA (p.Asp265ThrfsX29) results in a premature termination codon, predicted to cause a truncation of the encoded protein or absence of the protein due to nonsense mediated decay, which are commonly known mechanisms for disease. The variant allele was found at a frequency of 6.8e-05 in 251200 control chromosomes (gnomAD). c.792delA has been reported in the literature in an individual affected with FARS2-Related Disorders (example: Guerrero_2021). The following publication has been ascertained in the context of this evaluation (PMID: 36531778). Three clinical diagnostic laboratories have submitted clinical-significance assessments for this variant to ClinVar after 2014 and all classified the variant as pathogenic/likely pathogenic. Based on the evidence outlined above, the variant was classified as pathogenic.

Department of Pathology and Laboratory Medicine, Sinai Health System
Classification: Pathogenic for Leigh syndrome. Last evaluated: 2023-03-12. Review status: criteria provided, single submitter. Criteria: ACMG Guidelines, 2015. Collection method: research. Allele origin: germline.

Molecular Genetics, Royal Melbourne Hospital
Classification: Likely pathogenic for Hereditary spastic paraplegia 77. Last evaluated: 2022-12-23. Review status: criteria provided, single submitter. Criteria: ACMG Guidelines, 2015. Collection method: clinical testing. Allele origin: germline.
Comment: This sequence change in FARS2 is a frameshift variant predicted to cause a premature stop codon, p.(Asp265Thrfs*29), in biologically relevant exon 4/7 leading to nonsense-mediated decay in a gene in which loss-of-function is an established disease mechanism. The highest population minor allele frequency in the population database gnomAD v2.1 is 0.01% (19/128,978 alleles) in the European (non-Finnish) population, which is consistent with recessive disease. To our knowledge, this variant has not been reported in the relevant scientific literature in any individuals with FARS2-related disease. Based on the classification scheme RMH Modified ACMG Guidelines v1.5.1, this variant is classified as LIKELY PATHOGENIC. Following criteria are met: PVS1, PM2_Supporting.

Ambry Genetics
Classification: Pathogenic for Inborn genetic diseases. Last evaluated: 2021-04-28. Review status: criteria provided, single submitter. Criteria: Ambry Variant Classification Scheme 2023. Collection method: clinical testing. Allele origin: germline.
Comment: The c.792delA (p.D265Tfs*29) alteration, located in exon 4 (coding exon 3) of the FARS2 gene, consists of a deletion of one nucleotide at position 792, causing a translational frameshift with a predicted alternate stop codon after 29 amino acids. This alteration is expected to result in loss of function by premature protein truncation or nonsense-mediated mRNA decay. This alteration was reported in the compound heterozygous state with a missense alteration in an individual with neurodevelopmental impairment, gait disturbance, slowly progressive spastic quadriparesis, brisk reflexes, impaired pain sensation, enlarged cisterna magna, hip dysplasia, deviated hallux, 2-3 toe syndactyly, and tapered finger (DECIPHER v.9.32). Based on the available evidence, this alteration is classified as pathogenic.

GeneDx
Classification: Likely pathogenic. Last evaluated: 2018-11-19. Review status: criteria provided, single submitter. Criteria: GeneDx Variant Classification (06012015). Collection method: clinical testing. Allele origin: germline. Affected: yes.
Comment: The c.792delA variant in the FARS2 gene has not been reported previously as a pathogenic variant nor as a benign variant, to our knowledge. The c.792delA variant causes a frameshift starting with codon Aspartic acid 265, changes this amino acid to a Threonine residue, and creates a premature Stop codon at position 29 of the new reading frame, denoted p.Asp265ThrfsX29. This variant is predicted to cause loss of normal protein function either through protein truncation or nonsense-mediated mRNA decay. The c.792delA variant is observed in 18/126508 (0.014%) alleles from individuals of non-Finnish European background, although not seen in the homozygous state, in large population cohorts (Lek et al., 2016). We interpret c.792delA as a likely pathogenic variant.

Literature cited by the submitters: PubMed 22833457 (cited by Labcorp Genetics (formerly Invitae), Labcorp); PubMed 36531778 (cited by Mayo Clinic Laboratories, Mayo Clinic and Women's Health and Genetics/Laboratory Corporation of America, LabCorp).

NM_006567.5(FARS2):c.792del (p.Asp265fs)

Gene: FARS2 (phenylalanyl-tRNA synthetase 2, mitochondrial; plus strand). Cytogenetic location: 6p25.1.
Variant type: Deletion.
Coding change: c.792del on transcript NM_006567.5 (MANE Select); coding-DNA position 792, one base deleted (A; older notation c.792delA).
Protein change: p.Asp265fs; shifts the reading frame from aspartic acid 265.
Molecular consequence: frameshift variant. On other transcripts: intron variant (1).
Genome position (GRCh38, 1-based): chr6:5,431,060, A deleted. VCF-style (leftmost placement, unchanged base first): chr6-5431059-TA-T. GRCh37 (hg19) VCF-style: chr6-5431292-TA-T.
Other names: p.Asp265Thrfs*29; c.792del (NM_006567.3); c.792del, p.Asp265fs (NM_001318872.2, NM_001374875.1, NM_001374876.1 and 4 more transcripts); c.96del, p.Asp33fs (NM_001375259.1, NM_001375260.1); c.772+26359del (NM_001375258.1); c.792delA (NM_006567.5); short protein forms D265fs, D33fs.
Identifiers: ClinVar variation 579997 (VCV000579997.21), dbSNP rs761097220, ClinGen allele CA3623758.